The following is an entry in ClinVar:

NM_000216.4(ANOS1):c.1156_1157del (p.Lys386fs)

Gene: ANOS1 (anosmin 1; minus strand). Cytogenetic location: Xp22.31.
Variant type: Deletion.
Coding change: c.1156_1157del on transcript NM_000216.4 (MANE Select); coding-DNA positions 1156 to 1157, 2 bases deleted (AA; older notation c.1156_1157delAA).
Protein change: p.Lys386fs; shifts the reading frame from lysine 386.
Molecular consequence: frameshift variant.
Genome position (GRCh38, 1-based): chrX:8,568,282-8,568,283, TT deleted on the plus strand (AA on the coding strand, the reverse complement: ANOS1 is on the minus strand). VCF-style (leftmost placement, unchanged base first): chrX-8568281-CTT-C. GRCh37 (hg19) VCF-style: chrX-8536322-CTT-C.
Other names: c.1156_1157delAA (NM_000216.4); short protein forms K386fs.
Identifiers: ClinVar variation 3902711 (VCV003902711.1).

ClinVar aggregate classification (germline): Pathogenic (1 of 4 stars; one submission).

Conditions:
Hypogonadotropic hypogonadism 1 with or without anosmia (HH1). Also called: HYPOGONADOTROPIC HYPOGONADISM AND ANOSMIA; Kallmann syndrome, type 1, X-linked; DYSPLASIA OLFACTOGENITALIS OF DE MORSIER; Hypogonadotropic hypogonadism 1 with or without anosmia (Kallmann syndrome 1); HYPOGONADOTROPIC HYPOGONADISM 1 WITH ANOSMIA; KAL1-Related GnRH Deficiency (Kallmann Syndrome 1; Kallmann Syndrome, X-Linked). Identifiers: Orphanet 478, MedGen C1563719, MONDO:0010635, OMIM 308700. Disease mechanism: loss of function.

Submission:

Women's Health and Genetics/Laboratory Corporation of America, LabCorp
Classification: Pathogenic for Hypogonadotropic hypogonadism 1 with or without anosmia. Last evaluated: 2025-05-23. Review status: criteria provided, single submitter. Criteria: LabCorp Variant Classification Summary - May 2015. Collection method: clinical testing. Allele origin: germline.
Comment: Variant summary: ANOS1 c.1156_1157delAA (p.Lys386GlufsX24) results in a premature termination codon, predicted to cause a truncation of the encoded protein or absence of the protein due to nonsense mediated decay, which are commonly known mechanisms for disease. The variant was absent in 182895 control chromosomes. To our knowledge, no occurrence of c.1156_1157delAA in individuals affected with Hypogonadotropic Hypogonadism 1 With Or Without Anosmia and no experimental evidence demonstrating its impact on protein function have been reported. No submitters have cited clinical-significance assessments for this variant to ClinVar. Based on the evidence outlined above, the variant was classified as pathogenic.